The following is an entry in ClinVar:

NM_000540.3(RYR1):c.15046C>G (p.Gln5016Glu)

Gene: RYR1 (ryanodine receptor 1; plus strand). Cytogenetic location: 19q13.2.
Variant type: single nucleotide variant.
Coding change: c.15046C>G on transcript NM_000540.3 (MANE Select); coding-DNA position 15046, C replaced by G.
Protein change: p.Gln5016Glu; replaces glutamine 5016 with glutamic acid.
Molecular consequence: missense variant.
Genome position (GRCh38, 1-based): chr19:38,587,349, C>G. VCF-style: chr19-38587349-C-G. GRCh37 (hg19) VCF-style: chr19-39077989-C-G.
Other names: c.15031C>G, p.Gln5011Glu (NM_001042723.2); short protein forms Q5011E, Q5016E.
Identifiers: ClinVar variation 3072449 (VCV003072449.1), dbSNP rs1355987705, ClinGen allele CA405694107.

ClinVar aggregate classification (germline): Uncertain significance (1 of 4 stars; one submission).

Conditions:
Malignant hyperthermia, susceptibility to, 1 (MHS1). Also called: Anesthesia related hyperthermia; Malignant hyperpyrexia; Fulminating hyperpyrexia; Pharmacogenic myopathy; RYR1-Related Malignant Hyperthermia Susceptibility; Malignant hyperthermia suceptibility 1. Identifiers: Orphanet 423, MedGen C2930980, MONDO:0007783, OMIM 145600.

Allele frequency attached by ClinVar (database versions not stated): TOPMed below 0.00001; gnomAD 0.00001.
gnomAD v4.1: 1 of 1,613,712 alleles (0.000062%); highest among the groups gnomAD compares: Non-Finnish European, 0.000085%; no homozygotes.

Submission:

All of Us Research Program, National Institutes of Health
Classification: Uncertain significance for Malignant hyperthermia, susceptibility to, 1. Last evaluated: 2023-12-13. Review status: criteria provided, single submitter. Criteria: ACMG Guidelines, 2015. Collection method: clinical testing. Allele origin: germline. Inheritance: Autosomal dominant inheritance. Observed: 1 variant allele, 1 heterozygote.
Comment: This missense variant replaces glutamine with glutamic acid at codon 5016 of the RYR1 protein. Computational prediction is inconclusive regarding the impact of this variant on protein structure and function (internally defined REVEL score threshold 0.5 < inconclusive < 0.7, PMID: 27666373). To our knowledge, functional studies have not been reported for this variant. This variant has not been reported in individuals affected with RYR1-related disorders in the literature. This variant has not been identified in the general population by the Genome Aggregation Database (gnomAD). The available evidence is insufficient to determine the role of this variant in disease conclusively. Therefore, this variant is classified as a Variant of Uncertain Significance.

This study involves interpretation of variants in research participants for the purpose of population health screening. Participant phenotype was not available at the time of variant classification. Additional details can be found in publication PMID: 35346344, PMCID: PMC8962531